The following is an entry in ClinVar:

ClinVar aggregate classification (germline): Uncertain significance (1 of 4 stars; one submission).

Conditions:
Hereditary cancer-predisposing syndrome. Also called: Neoplastic Syndromes, Hereditary; Hereditary Cancer Syndrome; Tumor predisposition; Hereditary neoplastic syndrome. Identifiers: Orphanet 140162, MedGen C0027672, MeSH D009386, MONDO:0015356.

Submission:

Ambry Genetics
Classification: Uncertain significance for Hereditary cancer-predisposing syndrome. Last evaluated: 2016-08-25. Review status: criteria provided, single submitter. Criteria: Ambry Variant Classification Scheme 2023. Collection method: clinical testing. Allele origin: germline.
Comment: The p.M2041I variant (also known as c.6123G>T), located in coding exon 41 of the ATM gene, results from a G to T substitution at nucleotide position 6123. The methionine at codon 2041 is replaced by isoleucine, an amino acid with highly similar properties. This variant was not reported in population based cohorts in the following databases: Database of Single Nucleotide Polymorphisms (dbSNP), NHLBI Exome Sequencing Project (ESP), and 1000 Genomes Project. In the ESP, this variant was not observed in 6499 samples (12998 alleles) with coverage at this position. To date, this alteration has been detected with an allele frequency of approximately 0.001% (greater than 180000 alleles tested) in our clinical cohort. This amino acid position is not well conserved in available vertebrate species. In addition, this alteration is predicted to be tolerated by in silico analysis. Since supporting evidence is limited at this time, the clinical significance of this alteration remains unclear.

NM_000051.4(ATM):c.6123G>T (p.Met2041Ile)

Genes: ATM (ATM serine/threonine kinase; plus strand), C11orf65 (chromosome 11 open reading frame 65; minus strand). Cytogenetic location: 11q22.3.
Variant type: single nucleotide variant.
Coding change: c.6123G>T on transcript NM_000051.4 (MANE Select); coding-DNA position 6123, G replaced by T.
Protein change: p.Met2041Ile; replaces methionine 2041 with isoleucine.
Molecular consequence: missense variant. On other transcripts: intron variant (2).
Genome position (GRCh38, 1-based): chr11:108,316,038, G>T. VCF-style: chr11-108316038-G-T. GRCh37 (hg19) VCF-style: chr11-108186765-G-T.
Other names: c.6123G>T, p.Met2041Ile (NM_001351834.2); c.641-6967C>A (NM_001330368.2); c.*39-6967C>A (NM_001351110.2); short protein forms M2041I.
Identifiers: ClinVar variation 485202 (VCV000485202.7), dbSNP rs1555113740, ClinGen allele CA382550433.